The following is an entry in ClinVar:

ClinVar aggregate classification (germline): Uncertain significance. Review status: criteria provided, multiple submitters, no conflicts (2 of 4 stars). 2 submissions from 2 submitters: Uncertain significance (2). Last evaluated 2022-08-09.

Allele frequency attached by ClinVar (database versions not stated): TOPMed below 0.00001; gnomAD exomes 0.00001.
gnomAD v4.1: 5 of 1,612,902 alleles (0.00031%); highest among the groups gnomAD compares: Admixed American, 0.0067%; no homozygotes.

Submissions (2):

Labcorp Genetics (formerly Invitae), Labcorp
Classification: Uncertain significance. Last evaluated: 2022-08-09. Review status: criteria provided, single submitter. Criteria: Invitae Variant Classification Sherloc (09022015). Collection method: clinical testing. Allele origin: germline.
Comment: This sequence change replaces histidine, which is basic and polar, with asparagine, which is neutral and polar, at codon 101 of the FOXRED1 protein (p.His101Asn). This variant is present in population databases (no rsID available, gnomAD 0.006%). This variant has not been reported in the literature in individuals affected with FOXRED1-related conditions. ClinVar contains an entry for this variant (Variation ID: 594786). Advanced modeling of protein sequence and biophysical properties (such as structural, functional, and spatial information, amino acid conservation, physicochemical variation, residue mobility, and thermodynamic stability) performed at Invitae indicates that this missense variant is not expected to disrupt FOXRED1 protein function. In summary, the available evidence is currently insufficient to determine the role of this variant in disease. Therefore, it has been classified as a Variant of Uncertain Significance.

Eurofins Ntd Llc (ga)
Classification: Uncertain significance. Last evaluated: 2017-10-27. Review status: criteria provided, single submitter. Criteria: EGL Classification Definitions 2015. Collection method: clinical testing. Allele origin: germline. Observed: 1 variant allele, 1 heterozygote.

NM_017547.4(FOXRED1):c.301C>A (p.His101Asn)

Gene: FOXRED1 (FAD dependent oxidoreductase domain containing 1; plus strand). Cytogenetic location: 11q24.2.
Variant type: single nucleotide variant.
Coding change: c.301C>A on transcript NM_017547.4 (MANE Select); coding-DNA position 301, C replaced by A.
Protein change: p.His101Asn; replaces histidine 101 with asparagine.
Molecular consequence: missense variant. On other transcripts: non-coding transcript variant (1).
Genome position (GRCh38, 1-based): chr11:126,271,652, C>A. VCF-style: chr11-126271652-C-A. GRCh37 (hg19) VCF-style: chr11-126141547-C-A.
Other names: short protein forms H101N.
Identifiers: ClinVar variation 594786 (VCV000594786.6), dbSNP rs373938426, ClinGen allele CA383229314.